The following is an entry in ClinVar:

ClinVar aggregate classification (germline): Uncertain significance (1 of 4 stars; one submission).

Submission:

Labcorp Genetics (formerly Invitae), Labcorp
Classification: Uncertain significance. Last evaluated: 2023-08-03. Review status: criteria provided, single submitter. Criteria: Invitae Variant Classification Sherloc (09022015). Collection method: clinical testing. Allele origin: germline.
Comment: This variant has not been reported in the literature in individuals affected with SNAI2-related conditions. In summary, the available evidence is currently insufficient to determine the role of this variant in disease. Therefore, it has been classified as a Variant of Uncertain Significance. An algorithm developed to predict the effect of missense changes on protein structure and function (PolyPhen-2) suggests that this variant is likely to be tolerated. This variant is not present in population databases (gnomAD no frequency). This sequence change replaces leucine, which is neutral and non-polar, with methionine, which is neutral and non-polar, at codon 83 of the SNAI2 protein (p.Leu83Met).

NM_003068.5(SNAI2):c.247T>A (p.Leu83Met)

Gene: SNAI2 (snail family transcriptional repressor 2; minus strand). Cytogenetic location: 8q11.21.
Variant type: single nucleotide variant.
Coding change: c.247T>A on transcript NM_003068.5 (MANE Select); coding-DNA position 247, T replaced by A.
Protein change: p.Leu83Met; replaces leucine 83 with methionine.
Molecular consequence: missense variant.
Genome position (GRCh38, 1-based): chr8:48,920,274, A>T on the plus strand (T>A on the coding strand, the complement: SNAI2 is on the minus strand). VCF-style: chr8-48920274-A-T. GRCh37 (hg19) VCF-style: chr8-49832833-A-T.
Other names: short protein forms L83M.
Identifiers: ClinVar variation 2807187 (VCV002807187.3), dbSNP rs2536070723, ClinGen allele CA371184444.
Genomic context (GRCh38, chr8:48,920,274, plus strand): 5'-CTGAGCCACTGTGGTCCTTGGAGGAGGTGTCAGATGGAGGAGGGGGACTCACTCGCCCCA[A>T]AGATGAGGAGTATCCGGAAAGAGGAGAGAGGCCATTGGGTAGCTGGGCGTGGAATGGAGC-3'
Protein context (NP_003059.1, residues 73-93): LSPLSGYSSS[Leu83Met]GRVSPPPPSD